The following is an entry in ClinVar:

NM_001165963.4(SCN1A):c.4970G>C (p.Arg1657Pro)

Genes: SCN1A (sodium voltage-gated channel alpha subunit 1; minus strand), LOC102724058 (uncharacterized LOC102724058; plus strand). Cytogenetic location: 2q24.3.
Variant type: single nucleotide variant.
Coding change: c.4970G>C on transcript NM_001165963.4 (MANE Select); coding-DNA position 4970, G replaced by C.
Protein change: p.Arg1657Pro; replaces arginine 1657 with proline.
Molecular consequence: missense variant. On other transcripts: non-coding transcript variant (1).
Genome position (GRCh38, 1-based): chr2:165,992,305, C>G on the plus strand (G>C on the coding strand, the complement: SCN1A is on the minus strand). VCF-style: chr2-165992305-C-G. GRCh37 (hg19) VCF-style: chr2-166848815-C-G.
Other names: c.4934G>C, p.Arg1645Pro (NM_001353955.2, NM_001353954.2); c.4886G>C, p.Arg1629Pro (NM_001353957.2, NM_001353958.2, NM_001165964.3); c.4883G>C, p.Arg1628Pro (NM_001353960.2); c.2528G>C, p.Arg843Pro (NM_001353961.2); c.4937G>C, p.Arg1646Pro (NM_006920.6, NM_001353949.2, NM_001353950.2 and 2 more transcripts); c.4970G>C, p.Arg1657Pro (NM_001202435.3, NM_001353948.2); short protein forms R1645P, R1646P, R1628P, R1657P, R843P, R1629P.
Identifiers: ClinVar variation 4056328 (VCV004056328.2).
Genomic context (GRCh38, chr2:165,992,305, plus strand): 5'-AGTAGGAGGCCGATGTTAAACAACGCAGGAAGGGACATCATCAAAGCAAAGAGCAGCGTG[C>G]GGATCCCCTTTGCTCCTTTGATCAGACGTAGGATTCGGCCAATCCTAGCAAGACGGATCA-3'
Protein context (NP_001159435.1, residues 1647-1667): LRLIKGAKGI[Arg1657Pro]TLLFALMMSL

ClinVar aggregate classification (germline): Pathogenic (1 of 4 stars; one submission).

Conditions:
Generalized epilepsy with febrile seizures plus, type 2 (GEFSP2). Also called: GEFS+, TYPE 2. Identifiers: Orphanet 36387, MedGen C1858673, MONDO:0011461, OMIM 604403.

Submission:

Institute of Human Genetics, University of Leipzig Medical Center
Classification: Pathogenic for Generalized epilepsy with febrile seizures plus, type 2. Last evaluated: 2025-06-23. Review status: criteria provided, single submitter. Criteria: ACMG Guidelines, 2015. Collection method: clinical testing. Allele origin: maternal. Inheritance: Autosomal dominant inheritance. Affected: yes.
Comment: Criteria applied: PM5_STR,PS2_MOD,PP3_MOD,PS4_SUP,PM2_SUP